The following is an entry in ClinVar:

ClinVar aggregate classification (germline): Conflicting classifications of pathogenicity. Review status: criteria provided, conflicting classifications (1 of 4 stars). 2 submissions from 2 submitters: Uncertain significance (1); Likely benign (1). Last evaluated 2025-03-27.

Conditions:
Inborn genetic diseases. Identifiers: MedGen C0950123, MeSH D030342.

Allele frequency attached by ClinVar (database versions not stated): TOPMed 0.00001; ExAC 0.00002.
gnomAD v4.1: 15 of 1,614,180 alleles (0.00093%); highest among the groups gnomAD compares: Admixed American, 0.023%; no homozygotes.

Submissions (2):

Ambry Genetics
Classification: Likely benign for Inborn genetic diseases. Last evaluated: 2025-03-27. Review status: criteria provided, single submitter. Criteria: Ambry Variant Classification Scheme 2023. Collection method: clinical testing. Allele origin: germline.

Labcorp Genetics (formerly Invitae), Labcorp
Classification: Uncertain significance. Last evaluated: 2023-09-17. Review status: criteria provided, single submitter. Criteria: Invitae Variant Classification Sherloc (09022015). Collection method: clinical testing. Allele origin: germline.
Comment: This variant is present in population databases (rs770425261, gnomAD 0.04%), and has an allele count higher than expected for a pathogenic variant. This variant has not been reported in the literature in individuals affected with CNOT1-related conditions. ClinVar contains an entry for this variant (Variation ID: 2074890). An algorithm developed to predict the effect of missense changes on protein structure and function (PolyPhen-2) suggests that this variant is likely to be tolerated. In summary, the available evidence is currently insufficient to determine the role of this variant in disease. Therefore, it has been classified as a Variant of Uncertain Significance. This sequence change replaces isoleucine, which is neutral and non-polar, with valine, which is neutral and non-polar, at codon 538 of the CNOT1 protein (p.Ile538Val).

NM_016284.5(CNOT1):c.1612A>G (p.Ile538Val)

Gene: CNOT1 (CCR4-NOT transcription complex subunit 1; minus strand). Cytogenetic location: 16q21.
Variant type: single nucleotide variant.
Coding change: c.1612A>G on transcript NM_016284.5 (MANE Select); coding-DNA position 1612, A replaced by G.
Protein change: p.Ile538Val; replaces isoleucine 538 with valine.
Molecular consequence: missense variant. On other transcripts: non-coding transcript variant (1).
Genome position (GRCh38, 1-based): chr16:58,576,555, T>C on the plus strand (A>G on the coding strand, the complement: CNOT1 is on the minus strand). VCF-style: chr16-58576555-T-C. GRCh37 (hg19) VCF-style: chr16-58610459-T-C.
Other names: c.1612A>G, p.Ile538Val (NM_001265612.2, NM_206999.3); c.1612A>G (NM_016284.3); short protein forms I538V.
Identifiers: ClinVar variation 2074890 (VCV002074890.5), dbSNP rs770425261, ClinGen allele CA8089875.